The following is an entry in ClinVar:

ClinVar aggregate classification (germline): Likely benign (1 of 4 stars; one submission).

Allele frequency attached by ClinVar (database versions not stated): 1000 Genomes Project 30x 0.00250; 1000 Genomes Project 0.00260; gnomAD 0.00486; ExAC 0.00541; TOPMed 0.00566; ESP Exome Variant Server 0.00730; gnomAD exomes 0.00874.
gnomAD v4.1: 13,405 of 1,613,228 alleles (0.83%); highest among the groups gnomAD compares: Non-Finnish European, 1%; 74 homozygotes.

Submission:

CeGaT Center for Human Genetics Tuebingen
Classification: Likely benign. Last evaluated: 2022-07-01. Review status: criteria provided, single submitter. Criteria: CeGaT Center For Human Genetics Tuebingen Variant Classification Criteria Version 2. Collection method: clinical testing. Allele origin: germline. Affected: yes. Observed: 1 variant allele.
Comment: NDST4: BP4, BS2

NM_022569.3(NDST4):c.847A>G (p.Ile283Val)

Gene: NDST4 (N-deacetylase and N-sulfotransferase 4; minus strand). Cytogenetic location: 4q26.
Variant type: single nucleotide variant.
Coding change: c.847A>G on transcript NM_022569.3 (MANE Select); coding-DNA position 847, A replaced by G.
Protein change: p.Ile283Val; replaces isoleucine 283 with valine.
Molecular consequence: missense variant.
Genome position (GRCh38, 1-based): chr4:115,076,190, T>C on the plus strand (A>G on the coding strand, the complement: NDST4 is on the minus strand). VCF-style: chr4-115076190-T-C. GRCh37 (hg19) VCF-style: chr4-115997346-T-C.
Other names: short protein forms I283V.
Identifiers: ClinVar variation 2655049 (VCV002655049.24), dbSNP rs138579687, ClinGen allele CA3054271.